The following is an entry in ClinVar:

ClinVar aggregate classification (germline): Uncertain significance. Review status: criteria provided, multiple submitters, no conflicts (2 of 4 stars). 2 submissions from 2 submitters: Uncertain significance (2). Last evaluated 2024-06-09.

Conditions:
Tuberous sclerosis syndrome (TSC). Also called: Tuberous Sclerosis Complex; Tuberous sclerosis. Identifiers: Orphanet 805, MedGen C0041341, MONDO:0001734.
Hereditary cancer-predisposing syndrome. Also called: Tumor predisposition; Neoplastic Syndromes, Hereditary; Hereditary Cancer Syndrome; Hereditary neoplastic syndrome. Identifiers: Orphanet 140162, MedGen C0027672, MeSH D009386, MONDO:0015356.

Submissions (2):

All of Us Research Program, National Institutes of Health
Classification: Uncertain significance for Tuberous sclerosis syndrome. Last evaluated: 2024-06-09. Review status: criteria provided, single submitter. Criteria: ACMG Guidelines, 2015. Collection method: clinical testing. Allele origin: germline. Inheritance: Autosomal dominant inheritance. Observed: 1 variant allele, 1 heterozygote.
Comment: This missense variant replaces isoleucine with valine at codon 482 of the TSC1 protein. Computational prediction is inconclusive regarding the impact of this variant on protein structure and function. To our knowledge, functional studies have not been reported for this variant. This variant has not been reported in individuals affected with TSC1-related disorders in the literature. This variant has not been identified in the general population by the Genome Aggregation Database (gnomAD). The available evidence is insufficient to determine the role of this variant in disease conclusively. Therefore, this variant is classified as a Variant of Uncertain Significance.

This study involves interpretation of variants in research participants for the purpose of population health screening. Participant phenotype was not available at the time of variant classification. Additional details can be found in publication PMID: 35346344, PMCID: PMC8962531

Ambry Genetics
Classification: Uncertain significance for Hereditary cancer-predisposing syndrome. Last evaluated: 2022-05-13. Review status: criteria provided, single submitter. Criteria: Ambry Variant Classification Scheme 2023. Collection method: clinical testing. Allele origin: germline.
Comment: The p.I482V variant (also known as c.1444A>G), located in coding exon 13 of the TSC1 gene, results from an A to G substitution at nucleotide position 1444. The isoleucine at codon 482 is replaced by valine, an amino acid with highly similar properties. This amino acid position is conserved. In addition, this alteration is predicted to be tolerated by in silico analysis. Since supporting evidence is limited at this time, the clinical significance of this alteration remains unclear.

NM_000368.5(TSC1):c.1444A>G (p.Ile482Val)

Gene: TSC1 (TSC complex subunit 1; minus strand). Cytogenetic location: 9q34.13.
Variant type: single nucleotide variant.
Coding change: c.1444A>G on transcript NM_000368.5 (MANE Select); coding-DNA position 1444, A replaced by G.
Protein change: p.Ile482Val; replaces isoleucine 482 with valine.
Molecular consequence: missense variant.
Genome position (GRCh38, 1-based): chr9:132,906,134, T>C on the plus strand (A>G on the coding strand, the complement: TSC1 is on the minus strand). VCF-style: chr9-132906134-T-C. GRCh37 (hg19) VCF-style: chr9-135781521-T-C.
Other names: c.1078A>G, p.Ile360Val (NM_001406625.1, NM_001406620.1, NM_001406621.1 and 2 more transcripts); c.1441A>G, p.Ile481Val (NM_001406598.1, NM_001406599.1, NM_001406600.1 and 6 more transcripts); c.1444A>G, p.Ile482Val (NM_001406601.1, NM_001406602.1, NM_001406605.1 and 7 more transcripts); c.1081A>G, p.Ile361Val (NM_001406617.1, NM_001406618.1, NM_001406619.1 and 5 more transcripts); c.1291A>G, p.Ile431Val (NM_001162427.2, NM_001406610.1); c.1288A>G, p.Ile430Val (NM_001406611.1, NM_001406612.1, NM_001406613.1); c.493A>G, p.Ile165Val (NM_001406626.1); c.490A>G, p.Ile164Val (NM_001406627.1, NM_001406628.1); and 1 more; short protein forms I165V, I360V, I361V, I431V, I481V, I131V, I164V, I430V.
Identifiers: ClinVar variation 1772765 (VCV001772765.3), dbSNP rs2131850800, ClinGen allele CA375365618.